The following is an entry in ClinVar:

ClinVar aggregate classification (germline): Uncertain significance. Review status: criteria provided, multiple submitters, no conflicts (2 of 4 stars). 4 submissions from 4 submitters: Uncertain significance (4). Last evaluated 2025-08-07.

Conditions:
Inborn genetic diseases. Identifiers: MedGen C0950123, MeSH D030342.
Autosomal recessive limb-girdle muscular dystrophy type 2P. Also called: Limb-Girdle Muscular Dystrophy Type 9C; MUSCULAR DYSTROPHY-DYSTROGLYCANOPATHY, LIMB-GIRDLE, DAG1-RELATED; MUSCULAR DYSTROPHY, LIMB-GIRDLE, TYPE 2P. Identifiers: Orphanet 280333, MedGen C4511963, MONDO:0013440, OMIM 613818.
Muscular dystrophy-dystroglycanopathy (congenital with brain and eye anomalies), type A9. Also called: WALKER-WARBURG SYNDROME OR MUSCLE-EYE BRAIN DISEASE, DAG1-RELATED; Muscular dystrophy-dystroglycanopathy (congenital with brain and eye anomalies), type a, 9. Identifiers: Orphanet 370997, Orphanet 899, MedGen C4225291, MONDO:0014683, OMIM 616538.

Allele frequency attached by ClinVar (database versions not stated): ExAC 0.00002; gnomAD exomes 0.00002 and 0.00001; ESP Exome Variant Server 0.00008; gnomAD 0.00010 and 0.00012; TOPMed 0.00014; 1000 Genomes Project 30x 0.00016; 1000 Genomes Project 0.00020.
gnomAD v4.1: 41 of 1,614,140 alleles (0.0025%); highest among the groups gnomAD compares: African/African-American, 0.037%; no homozygotes.

Submissions (4):

Ambry Genetics
Classification: Uncertain significance for Inborn genetic diseases. Last evaluated: 2025-08-07. Review status: criteria provided, single submitter. Criteria: Ambry Variant Classification Scheme 2023. Collection method: clinical testing. Allele origin: germline.

Labcorp Genetics (formerly Invitae), Labcorp
Classification: Uncertain significance for Autosomal recessive limb-girdle muscular dystrophy type 2P; Muscular dystrophy-dystroglycanopathy (congenital with brain and eye anomalies), type A9. Last evaluated: 2024-10-15. Review status: criteria provided, single submitter. Criteria: Invitae Variant Classification Sherloc (09022015). Collection method: clinical testing. Allele origin: germline.
Comment: This sequence change replaces glutamine, which is neutral and polar, with arginine, which is basic and polar, at codon 600 of the DAG1 protein (p.Gln600Arg). This variant is present in population databases (rs369180031, gnomAD 0.06%). This variant has not been reported in the literature in individuals affected with DAG1-related conditions. ClinVar contains an entry for this variant (Variation ID: 502400). Invitae Evidence Modeling of protein sequence and biophysical properties (such as structural, functional, and spatial information, amino acid conservation, physicochemical variation, residue mobility, and thermodynamic stability) indicates that this missense variant is not expected to disrupt DAG1 protein function with a negative predictive value of 80%. In summary, the available evidence is currently insufficient to determine the role of this variant in disease. Therefore, it has been classified as a Variant of Uncertain Significance.

Revvity Omics, Revvity
Classification: Uncertain significance. Last evaluated: 2019-07-31. Review status: criteria provided, single submitter. Criteria: ACMG Guidelines, 2015. Collection method: clinical testing. Allele origin: germline.

Eurofins Ntd Llc (ga)
Classification: Uncertain significance. Last evaluated: 2017-06-06. Review status: criteria provided, single submitter. Criteria: EGL Classification Definitions 2015. Collection method: clinical testing. Allele origin: germline. Observed: 1 variant allele, 1 heterozygote.

NM_004393.6(DAG1):c.1799A>G (p.Gln600Arg)

Gene: DAG1 (dystroglycan 1; plus strand). Cytogenetic location: 3p21.31.
Variant type: single nucleotide variant.
Coding change: c.1799A>G on transcript NM_004393.6 (MANE Select); coding-DNA position 1799, A replaced by G.
Protein change: p.Gln600Arg; replaces glutamine 600 with arginine.
Molecular consequence: missense variant.
Genome position (GRCh38, 1-based): chr3:49,532,310, A>G. VCF-style: chr3-49532310-A-G. GRCh37 (hg19) VCF-style: chr3-49569743-A-G.
Other names: c.1799A>G (NM_004393.4); c.1799A>G, p.Gln600Arg (NM_001165928.4, NM_001177634.3, NM_001177635.3 and 9 more transcripts); short protein forms Q600R.
Identifiers: ClinVar variation 502400 (VCV000502400.13), dbSNP rs369180031, ClinGen allele CA2399149.